The following is an entry in ClinVar:

NM_001039213.4(CEACAM16):c.359G>C (p.Gly120Ala)

Genes: CEACAM16 (CEA cell adhesion molecule 16, tectorial membrane component; plus strand), CEACAM16-AS1 (CEACAM16, CEACAM19 and PVR antisense RNA 1; minus strand). Cytogenetic location: 19q13.32.
Variant type: single nucleotide variant.
Coding change: c.359G>C on transcript NM_001039213.4 (MANE Select); coding-DNA position 359, G replaced by C.
Protein change: p.Gly120Ala; replaces glycine 120 with alanine.
Molecular consequence: missense variant.
Genome position (GRCh38, 1-based): chr19:44,703,670, G>C. VCF-style: chr19-44703670-G-C. GRCh37 (hg19) VCF-style: chr19-45206940-G-C.
Other names: short protein forms G120A.
Identifiers: ClinVar variation 505181 (VCV000505181.4), dbSNP rs979461820, ClinGen allele CA308869929.

ClinVar aggregate classification (germline): Likely benign (1 of 4 stars; one submission).

Allele frequency attached by ClinVar (database versions not stated): gnomAD exomes below 0.00001 and 0.00001; TOPMed below 0.00001.
gnomAD v4.1: 6 of 1,563,952 alleles (0.00038%); highest among the groups gnomAD compares: Admixed American, 0.0054%; no homozygotes.

Submission:

Laboratory for Molecular Medicine, Mass General Brigham Personalized Medicine
Classification: Likely benign. Last evaluated: 2016-06-16. Review status: criteria provided, single submitter. Criteria: LMM Criteria. Collection method: clinical testing. Allele origin: germline. Observed: 1 variant allele.
Comment: p.Gly120Ala in exon 3 of CEACAM16: This variant is not expected to have clinical significance due to a lack of conservation across species, including mammals. O f note, 5 mammals (elephant, opossum, Tasmanian devil, wallaby, and platypus) ha ve an alanine (Ala) at this position despite high nearby amino acid conservation . In addition, computational prediction tools do not suggest a high likelihood o f impact to the protein.